The following is an entry in ClinVar:

NM_001164508.2(NEB):c.13341_13362del (p.Lys4448fs)

Gene: NEB (nebulin; minus strand). Cytogenetic location: 2q23.3.
Variant type: Deletion.
Coding change: c.13341_13362del on transcript NM_001164508.2 (MANE Select); coding-DNA positions 13341 to 13362, 22 bases deleted (CAAAATCAATGCCCTGCAGATC).
Protein change: p.Lys4448fs; shifts the reading frame from lysine 4448.
Molecular consequence: frameshift variant. On other transcripts: intron variant (1).
Genome position (GRCh38, 1-based): chr2:151,602,593-151,602,614, GATCTGCAGGGCATTGATTTTG deleted on the plus strand (CAAAATCAATGCCCTGCAGATC on the coding strand, the reverse complement: NEB is on the minus strand); deleting any 22 consecutive bases within chr2:151,602,593-151,602,617 gives the same sequence; the c. name uses the placement nearest the transcript's 3' end. VCF-style (leftmost placement, unchanged base first): chr2-151602592-TGATCTGCAGGGCATTGATTTTG-T. GRCh37 (hg19) VCF-style: chr2-152459106-TGATCTGCAGGGCATTGATTTTG-T.
Other names: c.13341_13362del, p.Lys4448fs (NM_001164507.2, NM_001271208.2); c.11601+7195_11601+7216del (NM_004543.5); short protein forms K4448fs.
Identifiers: ClinVar variation 1453430 (VCV001453430.6), dbSNP rs2153924986, ClinGen allele CA2573133397.

ClinVar aggregate classification (germline): Pathogenic (1 of 4 stars; one submission).

Conditions:
Nemaline myopathy 2 (NEM2). Also called: Nemaline myopathy 2, autosomal recessive. Identifiers: MedGen C1850569, MONDO:0009725, OMIM 256030.

Submission:

Labcorp Genetics (formerly Invitae), Labcorp
Classification: Pathogenic for Nemaline myopathy 2. Last evaluated: 2021-12-01. Review status: criteria provided, single submitter. Criteria: Invitae Variant Classification Sherloc (09022015). Collection method: clinical testing. Allele origin: germline.
Comment: This variant occurs in a region of NEB (Exons 82-105) consisting of three highly homologous 8-exon repeat units (exons 82-89, exons 90-97, exons 98-105). Sequence variants in this region can be detected, but this assay cannot determine which of the three repeat units is affected, and zygosity is often ambiguous. All variants in this region are reported relative to the exon 82-89 repeat. This sequence change creates a premature translational stop signal (p.Lys4448Alafs*14) in the NEB gene. It is expected to result in an absent or disrupted protein product. Loss-of-function variants in NEB are known to be pathogenic (PMID: 25205138). The frequency data for this variant in the population databases (gnomAD) is considered unreliable due to the presence of homologous sequence, such as pseudogenes or paralogs, in the genome. This variant has not been reported in the literature in individuals affected with NEB-related conditions. For these reasons, this variant has been classified as Pathogenic.

Literature cited by the submitters: PubMed 25205138.